The following is an entry in ClinVar:

ClinVar aggregate classification (germline): Uncertain significance (1 of 4 stars; one submission).

gnomAD v4.1: 1 of 1,612,762 alleles (0.000062%); highest among the groups gnomAD compares: African/African-American, 0.0013%; no homozygotes.

Submission:

GeneDx
Classification: Uncertain significance. Last evaluated: 2026-06-07. Review status: criteria provided, single submitter. Criteria: GeneDx Variant Classification Process June 2021. Collection method: clinical testing. Allele origin: germline.
Comment: Not observed at significant frequency in large population cohorts (gnomAD); In silico analysis suggests that this missense variant does not alter protein structure/function; Has not been previously published as pathogenic or benign to our knowledge

NM_032217.5(ANKRD17):c.1076G>A (p.Ser359Asn)

Gene: ANKRD17 (ankyrin repeat domain 17; minus strand). Cytogenetic location: 4q13.3.
Variant type: single nucleotide variant.
Coding change: c.1076G>A on transcript NM_032217.5 (MANE Select); coding-DNA position 1076, G replaced by A.
Protein change: p.Ser359Asn; replaces serine 359 with asparagine.
Molecular consequence: missense variant.
Genome position (GRCh38, 1-based): chr4:73,154,038, C>T on the plus strand (G>A on the coding strand, the complement: ANKRD17 is on the minus strand). VCF-style: chr4-73154038-C-T. GRCh37 (hg19) VCF-style: chr4-74019755-C-T.
Other names: c.737G>A, p.Ser246Asn (NM_001286771.3); c.1076G>A, p.Ser359Asn (NM_015574.2, NM_198889.3); short protein forms S246N, S359N.
Identifiers: ClinVar variation 3907708 (VCV003907708.2).